The following is an entry in ClinVar:

ClinVar aggregate classification (germline): Uncertain significance (1 of 4 stars; one submission).

gnomAD v4.1: 1 of 1,614,250 alleles (0.000062%); no homozygotes.

Submission:

Labcorp Genetics (formerly Invitae), Labcorp
Classification: Uncertain significance. Last evaluated: 2025-10-22. Review status: criteria provided, single submitter. Criteria: Invitae Variant Classification Sherloc (09022015). Collection method: clinical testing. Allele origin: germline.
Comment: This sequence change replaces leucine, which is neutral and non-polar, with valine, which is neutral and non-polar, at codon 445 of the ZHX3 protein (p.Leu445Val). This variant is not present in population databases (gnomAD no frequency). This variant has not been reported in the literature in individuals affected with ZHX3-related conditions. An algorithm developed to predict the effect of missense changes on protein structure and function (PolyPhen-2) suggests that this variant is likely to be tolerated. In summary, the available evidence is currently insufficient to determine the role of this variant in disease. Therefore, it has been classified as a Variant of Uncertain Significance.

NM_001384317.1(ZHX3):c.1333C>G (p.Leu445Val)

Gene: ZHX3 (zinc fingers and homeoboxes 3; minus strand). Cytogenetic location: 20q12.
Variant type: single nucleotide variant.
Coding change: c.1333C>G on transcript NM_001384317.1 (MANE Select); coding-DNA position 1333, C replaced by G.
Protein change: p.Leu445Val; replaces leucine 445 with valine.
Molecular consequence: missense variant.
Genome position (GRCh38, 1-based): chr20:41,203,584, G>C on the plus strand (C>G on the coding strand, the complement: ZHX3 is on the minus strand). VCF-style: chr20-41203584-G-C. GRCh37 (hg19) VCF-style: chr20-39832224-G-C.
Other names: c.1333C>G, p.Leu445Val (NM_001384315.1, NM_001384316.1, NM_001384318.1 and 8 more transcripts); short protein forms L445V.
Identifiers: ClinVar variation 4772506 (VCV004772506.1).